The following is an entry in ClinVar:

NM_000090.4(COL3A1):c.3872A>C (p.Lys1291Thr)

Gene: COL3A1 (collagen type III alpha 1 chain; plus strand). Cytogenetic location: 2q32.2.
Variant type: single nucleotide variant.
Coding change: c.3872A>C on transcript NM_000090.4 (MANE Select); coding-DNA position 3872, A replaced by C.
Protein change: p.Lys1291Thr; replaces lysine 1291 with threonine.
Molecular consequence: missense variant.
Genome position (GRCh38, 1-based): chr2:189,010,226, A>C. VCF-style: chr2-189010226-A-C. GRCh37 (hg19) VCF-style: chr2-189874952-A-C.
Other names: short protein forms K1291T.
Identifiers: ClinVar variation 982332 (VCV000982332.3), dbSNP rs2153504236, ClinGen allele CA349848536.

ClinVar aggregate classification (germline): Uncertain significance. Review status: criteria provided, multiple submitters, no conflicts (2 of 4 stars). 2 submissions from 2 submitters: Uncertain significance (2). Last evaluated 2025-08-25.

Conditions:
Familial thoracic aortic aneurysm and aortic dissection (TAAD). Also called: Thoracic aortic aneurysms and dissections. Identifiers: Orphanet 91387, MedGen C4707243, MONDO:0019625.
Isolated thoracic aortic aneurysm.

Submissions (2):

Color Diagnostics, LLC DBA Color Health
Classification: Uncertain significance for Familial thoracic aortic aneurysm and aortic dissection. Last evaluated: 2025-08-25. Review status: criteria provided, single submitter. Criteria: ACMG Guidelines, 2015. Collection method: clinical testing. Allele origin: germline.
Comment: This missense variant replaces lysine with threonine at codon 1291 of the COL3A1 protein. Computational prediction is inconclusive regarding the impact of this variant on protein structure and function. To our knowledge, functional studies have not been reported for this variant. This variant has not been reported in individuals affected with COL3A1-related disorders in the literature. This variant has not been identified in the general population by the Genome Aggregation Database (gnomAD). The available evidence is insufficient to determine the role of this variant in disease conclusively. Therefore, this variant is classified as a Variant of Uncertain Significance.

Department of Vascular Biology, Beijing Anzhen Hospital
Classification: Uncertain significance for Isolated thoracic aortic aneurysm. Last evaluated: 2018-09-01. Review status: criteria provided, single submitter. Criteria: ACMG Guidelines, 2015. Collection method: research. Allele origin: germline. Affected: yes.